The following is an entry in ClinVar:

NM_001286555.3(DUSP22):c.*1878G>A

Gene: DUSP22 (dual specificity phosphatase 22; plus strand). Cytogenetic location: 6p25.3.
Variant type: single nucleotide variant.
Coding change: c.*1878G>A on transcript NM_001286555.3 (MANE Select); 1878 bases downstream of the stop codon, G replaced by A.
Molecular consequence: 3 prime UTR variant. On other transcripts: synonymous variant (1), non-coding transcript variant (3).
Genome position (GRCh38, 1-based): chr6:350,829, G>A. VCF-style: chr6-350829-G-A. GRCh37 (hg19) VCF-style: chr6-350829-G-A.
Other names: c.516G>A, p.Pro172= (NM_020185.6).
Identifiers: ClinVar variation 3060833 (VCV003060833.2), dbSNP rs1129085, ClinGen allele CA3612548.
Genomic context (GRCh38, chr6:350,829, plus strand): 5'-GTTCTTGAAATGTTGTTTTAATATTTGTTGCCAGTAATGTTCTTTCTTCACAGCCGCTCC[G>A]GGAATTCTGAAGTTCTGGGCCTTTCTCAGAAGACTGTAATGTACCTGAAGTTTCTGAAAT-3'

ClinVar aggregate classification (germline): Benign (0 of 4 stars; one submission).

Conditions:
DUSP22-related disorder. Also called: DUSP22-related condition.

Allele frequency attached by ClinVar (database versions not stated): ESP Exome Variant Server 0.35730; ExAC 0.38867; 1000 Genomes Project 30x 0.44035.

Submission:

PreventionGenetics, part of Exact Sciences
Classification: Benign for DUSP22-related condition. Last evaluated: 2021-02-03. Review status: no assertion criteria provided. Collection method: clinical testing. Allele origin: germline.
Comment: This variant is classified as benign based on ACMG/AMP sequence variant interpretation guidelines (Richards et al. 2015 PMID: 25741868, with internal and published modifications).